The following is an entry in ClinVar:

NM_007294.4(BRCA1):c.4893T>G (p.Ser1631Arg)

Gene: BRCA1 (BRCA1 DNA repair associated; minus strand). Cytogenetic location: 17q21.31.
Variant type: single nucleotide variant.
Coding change: c.4893T>G on transcript NM_007294.4 (MANE Select); coding-DNA position 4893, T replaced by G.
Protein change: p.Ser1631Arg; replaces serine 1631 with arginine.
Molecular consequence: missense variant. On other transcripts: non-coding transcript variant (1).
Genome position (GRCh38, 1-based): chr17:43,071,021, A>C on the plus strand (T>G on the coding strand, the complement: BRCA1 is on the minus strand). VCF-style: chr17-43071021-A-C. GRCh37 (hg19) VCF-style: chr17-41223038-A-C.
Other names: c.4746T>G, p.Ser1582Arg (NM_001407850.1, NM_001407851.1, NM_001407852.1 and 12 more transcripts); c.4893T>G, p.Ser1631Arg (NM_001407854.1, NM_001407593.1, NM_001407594.1 and 8 more transcripts); c.4890T>G, p.Ser1630Arg (NM_001407858.1, NM_001407618.1, NM_001407619.1 and 17 more transcripts); c.4683T>G, p.Ser1561Arg (NM_001407884.1, NM_001407885.1, NM_001407886.1 and 5 more transcripts); c.4680T>G, p.Ser1560Arg (NM_001407894.1, NM_001407895.1, NM_001407896.1 and 12 more transcripts); c.4677T>G, p.Ser1559Arg (NM_001407915.1, NM_001407916.1, NM_001407917.1 and 1 more transcripts); c.4770T>G, p.Ser1590Arg (NM_001407919.1, NM_001407937.1, NM_001407938.1 and 6 more transcripts); c.4629T>G, p.Ser1543Arg (NM_001407920.1, NM_001407921.1, NM_001407922.1 and 4 more transcripts); and 70 more; short protein forms S527R, S1584R, S1652R, S1631R, S1335R, S1477R, S1504R, S1519R.
Identifiers: ClinVar variation 868837 (VCV000868837.3), dbSNP rs80356850, ClinGen allele CA10591738.
Genomic context (GRCh38, chr17:43,071,021, plus strand): 5'-GGACATTCTTTTGTTGACCCTTTCTGTTGAAGCTGTCAATTCTGGCTTCTCCCTGCTCAC[A>C]CTTTCTTCCATTGCATTATACCCAGCAGTATCAGTAGTATGAGCAGCAGCTGGACTCTGG-3'
Protein context (NP_009225.1, residues 1621-1641): DTAGYNAMEE[Ser1631Arg]VSREKPELTA

Conditions:
Breast-ovarian cancer, familial, susceptibility to, 1 (BROVCA1). Also called: BRCA1 Hereditary Breast and Ovarian Cancer; OVARIAN CANCER, SUSCEPTIBILITY TO. Identifiers: Orphanet 145, MedGen C2676676, MONDO:0011450, OMIM 604370. Disease mechanism: loss of function.

Submission:

Brotman Baty Institute, University of Washington
No classification provided (evidence only). Condition: Breast-ovarian cancer, familial 1. Review status: no classification provided. Collection method: in vitro. Allele origin: not applicable. Functional consequence: functionally_normal.
ClinVar note: "not provided" was previously submitted as the classification for the variant. However, the classification appeared to be based only on an observation of functional data so it was converted to no classification on 2025-07-30.